The following is an entry in ClinVar:

NM_002439.5(MSH3):c.3231T>C (p.Asp1077=)

Gene: MSH3 (mutS homolog 3; plus strand). Cytogenetic location: 5q14.1.
Variant type: single nucleotide variant.
Coding change: c.3231T>C on transcript NM_002439.5 (MANE Select); coding-DNA position 3231, T replaced by C.
Protein change: p.Asp1077=; no amino-acid change (aspartic acid 1077 retained).
Molecular consequence: synonymous variant.
Genome position (GRCh38, 1-based): chr5:80,873,216, T>C. VCF-style: chr5-80873216-T-C. GRCh37 (hg19) VCF-style: chr5-80169035-T-C.
Identifiers: ClinVar variation 738819 (VCV000738819.20), dbSNP rs529394454, ClinGen allele CA3328489.
Genomic context (GRCh38, chr5:80,873,216, plus strand): 5'-CCAAATAACTAGAGGAATTGCAGCAAGGAGTTATGGATTAAATGTGGCTAAACTAGCAGA[T>C]GTTCCTGGAGAAATTTTGAAGAAAGCAGCTCACAAGTCAAAAGAGCTGGAAGGATTAATA-3'
Protein context (NP_002430.3, residues 1067-1087): SYGLNVAKLA[Asp1077=]VPGEILKKAA

ClinVar aggregate classification (germline): Likely benign. Review status: criteria provided, multiple submitters, no conflicts (2 of 4 stars). 6 submissions from 6 submitters: Likely benign (6). Last evaluated 2026-01-19.

Conditions:
MSH3-related disorder. Also called: MSH3-related condition.
Hereditary cancer-predisposing syndrome. Also called: Hereditary neoplastic syndrome; Neoplastic Syndromes, Hereditary; Hereditary Cancer Syndrome; Tumor predisposition. Identifiers: Orphanet 140162, MedGen C0027672, MeSH D009386, MONDO:0015356.

Allele frequency attached by ClinVar (database versions not stated): gnomAD 0.00003 and 0.00005; TOPMed 0.00003; gnomAD exomes 0.00004 and 0.00007; ExAC 0.00006.
gnomAD v4.1: 115 of 1,614,024 alleles (0.0071%); highest among the groups gnomAD compares: Middle Eastern, 0.33%; 1 homozygote.

Submissions (6):

Labcorp Genetics (formerly Invitae), Labcorp
Classification: Likely benign. Last evaluated: 2026-01-19. Review status: criteria provided, single submitter. Criteria: Invitae Variant Classification Sherloc (09022015). Collection method: clinical testing. Allele origin: germline.

Center for Genomic Medicine, Rigshospitalet, Copenhagen University Hospital
Classification: Likely benign. Last evaluated: 2025-03-04. Review status: criteria provided, single submitter. Criteria: ACMG Guidelines, 2015. Collection method: clinical testing. Allele origin: germline.

PreventionGenetics, part of Exact Sciences
Classification: Likely benign for MSH3-related condition. Last evaluated: 2025-01-21. Review status: criteria provided, single submitter. Criteria: ACMG Guidelines, 2015. Collection method: clinical testing. Allele origin: germline.
Comment: This variant is classified as likely benign based on ACMG/AMP sequence variant interpretation guidelines (Richards et al. 2015 PMID: 25741868, with internal and published modifications).

Blueprint Genetics
Classification: Likely benign. Last evaluated: 2024-09-05. Review status: criteria provided, single submitter. Criteria: ACMG Guidelines, 2015. Collection method: clinical testing. Allele origin: germline.

Sema4
Classification: Likely benign for Hereditary cancer-predisposing syndrome. Last evaluated: 2021-06-24. Review status: criteria provided, single submitter. Criteria: Sema4 Curation Guidelines. Collection method: curation. Allele origin: germline.

Ambry Genetics
Classification: Likely benign for Hereditary cancer-predisposing syndrome. Last evaluated: 2019-03-27. Review status: criteria provided, single submitter. Criteria: Ambry Variant Classification Scheme 2023. Collection method: clinical testing. Allele origin: germline.